The following is an entry in ClinVar:

ClinVar aggregate classification (germline): Uncertain significance. Review status: criteria provided, single submitter (1 of 4 stars). 2 submissions from 2 submitters: Uncertain significance (1). 1 of the submissions does not count toward it. Last evaluated 2025-03-10.

Conditions:
Pulmonary fibrosis and/or bone marrow failure, Telomere-related, 3. Also called: PULMONARY FIBROSIS AND/OR BONE MARROW FAILURE SYNDROME, TELOMERE-RELATED, 3. Identifiers: Orphanet 2032, MedGen C4225346, MONDO:0014613, OMIM 616373.
Dyskeratosis congenita, autosomal recessive 5 (DKCB5). Identifiers: MedGen C3554656, MONDO:0014076, OMIM 615190.
Dyskeratosis congenita. Identifiers: Orphanet 1775, MedGen C0265965, MONDO:0015780.

Allele frequency attached by ClinVar (database versions not stated): gnomAD exomes below 0.00001.
gnomAD v4.1: 6 of 1,612,244 alleles (0.00037%); highest among the groups gnomAD compares: East Asian, 0.0045%; no homozygotes.

Submissions (2):

Labcorp Genetics (formerly Invitae), Labcorp
Classification: Uncertain significance for Dyskeratosis congenita, autosomal recessive 5; Pulmonary fibrosis and/or bone marrow failure, Telomere-related, 3. Last evaluated: 2025-03-10. Review status: criteria provided, single submitter. Criteria: Invitae Variant Classification Sherloc (09022015). Collection method: clinical testing. Allele origin: germline.
Comment: This sequence change replaces alanine, which is neutral and non-polar, with threonine, which is neutral and polar, at codon 549 of the RTEL1 protein (p.Ala549Thr). This variant is present in population databases (no rsID available, gnomAD 0.007%). This missense change has been observed in individual(s) with hypoplastic myelodysplastic syndrome (PMID: 29344583). ClinVar contains an entry for this variant (Variation ID: 1052192). An algorithm developed to predict the effect of missense changes on protein structure and function outputs the following: PolyPhen-2: "Benign". The threonine amino acid residue is found in multiple mammalian species, which suggests that this missense change does not adversely affect protein function. In summary, the available evidence is currently insufficient to determine the role of this variant in disease. Therefore, it has been classified as a Variant of Uncertain Significance.

Natera, Inc.
Classification: Uncertain significance for Dyskeratosis congenita. Last evaluated: 2020-06-25. Review status: no assertion criteria provided. Collection method: clinical testing. Allele origin: germline. Not counted in ClinVar's aggregate classification.

Literature cited by the submitters: PubMed 29344583 (cited by Labcorp Genetics (formerly Invitae), Labcorp).

NM_001283009.2(RTEL1):c.1645G>A (p.Ala549Thr)

Genes: RTEL1 (regulator of telomere elongation helicase 1; plus strand), RTEL1-TNFRSF6B (RTEL1-TNFRSF6B readthrough (NMD candidate); plus strand). Cytogenetic location: 20q13.33.
Variant type: single nucleotide variant.
Coding change: c.1645G>A on transcript NM_001283009.2 (MANE Select); coding-DNA position 1645, G replaced by A.
Protein change: p.Ala549Thr; replaces alanine 549 with threonine.
Molecular consequence: missense variant. On other transcripts: non-coding transcript variant (1).
Genome position (GRCh38, 1-based): chr20:63,688,309, G>A. VCF-style: chr20-63688309-G-A. GRCh37 (hg19) VCF-style: chr20-62319662-G-A.
Other names: c.976G>A, p.Ala326Thr (NM_001283010.1); c.1645G>A, p.Ala549Thr (NM_016434.4); c.1717G>A, p.Ala573Thr (NM_032957.5); short protein forms A326T, A549T, A573T.
Identifiers: ClinVar variation 1052192 (VCV001052192.8), dbSNP rs1408202470, ClinGen allele CA409677564.
Genomic context (GRCh38, chr20:63,688,309, plus strand): 5'-GAACCCTGCAGACATCCTGCCCCTGCCTTGACCCCGGCCCCTGCACTTCCAGGCAACATC[G>A]CCCGCGTGGTGCCCTATGGGCTCCTGATCTTCTTCCCTTCCTATCCTGTCATGGAGAAGA-3'
Protein context (NP_001269938.1, residues 539-559): SSLGKALGNI[Ala549Thr]RVVPYGLLIF